The following is an entry in ClinVar:

ClinVar aggregate classification (germline): Conflicting classifications of pathogenicity. Review status: criteria provided, conflicting classifications (1 of 4 stars). 5 submissions from 5 submitters: Uncertain significance (3); Likely benign (1). 1 of the submissions does not count toward it. Last evaluated 2026-03-20.

Conditions:
KIT-related disorder. Also called: KIT-related condition.
Hereditary cancer-predisposing syndrome. Also called: Neoplastic Syndromes, Hereditary; Hereditary Cancer Syndrome; Hereditary neoplastic syndrome; Tumor predisposition. Identifiers: Orphanet 140162, MedGen C0027672, MeSH D009386, MONDO:0015356.
Gastrointestinal stromal tumor. Also called: Gastrointestinal stromal tumor, somatic; Gastrointestinal stroma tumor. Identifiers: Orphanet 44890, MedGen C0238198, MeSH D046152, MONDO:0011719, OMIM 606764, HP:0100723.
Piebaldism. Also called: Piebald skin depigmentation. Identifiers: Orphanet 2884, MedGen C0080024, MONDO:0008244, OMIM 172800, HP:0007544.

Allele frequency attached by ClinVar (database versions not stated): gnomAD 0.00001; gnomAD exomes 0.00001; TOPMed 0.00002.
gnomAD v4.1: 9 of 1,612,376 alleles (0.00056%); highest among the groups gnomAD compares: African/African-American, 0.0027%; no homozygotes.

Submissions (5):

Centre for Medical Genetics,  Mumbai
Classification: Likely benign for Piebaldism. Last evaluated: 2026-03-20. Review status: criteria provided, single submitter. Criteria: ACMG Guidelines, 2015. Collection method: provider interpretation. Allele origin: germline. Inheritance: Autosomal dominant inheritance. Affected: no. Observed: 1 variant allele, 1 heterozygote.
Comment: The variant satisfies PM2 criteria; Extremely low frequency in gnomAD population databases. However, the variant satisfies BS2 criteria.

Labcorp Genetics (formerly Invitae), Labcorp
Classification: Uncertain significance for Gastrointestinal stromal tumor. Last evaluated: 2026-02-03. Review status: criteria provided, single submitter. Criteria: Invitae Variant Classification Sherloc (09022015). Collection method: clinical testing. Allele origin: germline.
Comment: This sequence change replaces alanine, which is neutral and non-polar, with threonine, which is neutral and polar, at codon 784 of the KIT protein (p.Ala784Thr). This variant is present in population databases (no rsID available, gnomAD 0.006%). This variant has not been reported in the literature in individuals affected with KIT-related conditions. ClinVar contains an entry for this variant (Variation ID: 458917). An algorithm developed to predict the effect of missense changes on protein structure and function (PolyPhen-2) suggests that this variant is likely to be disruptive. In summary, the available evidence is currently insufficient to determine the role of this variant in disease. Therefore, it has been classified as a Variant of Uncertain Significance.

Ambry Genetics
Classification: Uncertain significance for Hereditary cancer-predisposing syndrome. Last evaluated: 2025-04-14. Review status: criteria provided, single submitter. Criteria: Ambry Variant Classification Scheme 2023. Collection method: clinical testing. Allele origin: germline.
Comment: The p.A784T variant (also known as c.2350G>A), located in coding exon 16 of the KIT gene, results from a G to A substitution at nucleotide position 2350. The alanine at codon 784 is replaced by threonine, an amino acid with similar properties. This amino acid position is well conserved in available vertebrate species. In addition, this alteration is predicted to be tolerated by in silico analysis. Based on the available evidence, the clinical significance of this variant remains unclear.

Blueprint Genetics
Classification: Uncertain significance. Last evaluated: 2020-01-10. Review status: criteria provided, single submitter. Criteria: ACMG Guidelines, 2015. Collection method: clinical testing. Allele origin: germline.

PreventionGenetics, part of Exact Sciences
Classification: Uncertain significance for KIT-related condition. Last evaluated: 2024-02-05. Review status: no assertion criteria provided. Collection method: clinical testing. Allele origin: germline. Not counted in ClinVar's aggregate classification.
Comment: The KIT c.2350G>A variant is predicted to result in the amino acid substitution p.Ala784Thr. To our knowledge, this variant has not been reported in the literature. This variant is reported in 0.0054% of alleles in individuals of East Asian descent in gnomAD and is interpreted as variant of uncertain significance in ClinVar. At this time, the clinical significance of this variant is uncertain due to the absence of conclusive functional and genetic evidence.

Literature cited by the submitters: PubMed 1717985 (cited by Centre for Medical Genetics,  Mumbai).

NM_000222.3(KIT):c.2350G>A (p.Ala784Thr)

Gene: KIT (KIT proto-oncogene, receptor tyrosine kinase; plus strand). Cytogenetic location: 4q12.
Variant type: single nucleotide variant.
Coding change: c.2350G>A on transcript NM_000222.3 (MANE Select); coding-DNA position 2350, G replaced by A.
Protein change: p.Ala784Thr; replaces alanine 784 with threonine.
Molecular consequence: missense variant.
Genome position (GRCh38, 1-based): chr4:54,731,987, G>A. VCF-style: chr4-54731987-G-A. GRCh37 (hg19) VCF-style: chr4-55598153-G-A.
Other names: c.2338G>A, p.Ala780Thr (NM_001093772.2, NM_001385292.1); c.2353G>A, p.Ala785Thr (NM_001385284.1); c.2347G>A, p.Ala783Thr (NM_001385285.1); c.2335G>A, p.Ala779Thr (NM_001385286.1); c.2341G>A, p.Ala781Thr (NM_001385288.1); c.2350G>A, p.Ala784Thr (NM_001385290.1); short protein forms A784T, A780T, A779T, A781T, A783T, A785T.
Identifiers: ClinVar variation 458917 (VCV000458917.21), dbSNP rs1309976246, ClinGen allele CA356911149.